The following is an entry in ClinVar:

ClinVar aggregate classification (germline): Uncertain significance (1 of 4 stars; one submission).

Conditions:
A2ML1-related disorder. Also called: A2ML1-related condition.

Allele frequency attached by ClinVar (database versions not stated): TOPMed 0.00001.
gnomAD v4.1: 1 of 1,614,116 alleles (0.000062%); highest among the groups gnomAD compares: Non-Finnish European, 0.000085%; no homozygotes.

Submission:

PreventionGenetics, part of Exact Sciences
Classification: Uncertain significance for A2ML1-related condition. Last evaluated: 2023-07-14. Review status: criteria provided, single submitter. Criteria: ACMG Guidelines, 2015. Collection method: clinical testing. Allele origin: germline.
Comment: The A2ML1 c.3339+1G>T variant is predicted to disrupt the GT donor site and interfere with normal splicing. To our knowledge, this variant has not been reported in the literature or in a large population database, indicating this variant is rare. Loss-of-function variants in A2ML1 are currently of uncertain clinical significance. At this time, the clinical significance of this variant is uncertain due to the absence of conclusive functional and genetic evidence.

NM_144670.6(A2ML1):c.3339+1G>T

Gene: A2ML1 (alpha-2-macroglobulin like 1; plus strand). Cytogenetic location: 12p13.31.
Variant type: single nucleotide variant.
Coding change: c.3339+1G>T on transcript NM_144670.6 (MANE Select); the canonical splice donor site of the intron after coding-DNA position 3339, G replaced by T.
Molecular consequence: splice donor variant.
Genome position (GRCh38, 1-based): chr12:8,860,956, G>T. VCF-style: chr12-8860956-G-T. GRCh37 (hg19) VCF-style: chr12-9013552-G-T.
Other names: c.1866+1G>T (NM_001282424.3).
Identifiers: ClinVar variation 2631894 (VCV002631894.1), dbSNP rs976201125, ClinGen allele CA232698609.